The following is an entry in ClinVar:

ClinVar aggregate classification (germline): Uncertain significance (1 of 4 stars; one submission).

Allele frequency attached by ClinVar (database versions not stated): gnomAD exomes below 0.00001.
gnomAD v4.1: 3 of 1,613,358 alleles (0.00019%); highest among the groups gnomAD compares: Admixed American, 0.0017%; no homozygotes.

Submission:

Labcorp Genetics (formerly Invitae), Labcorp
Classification: Uncertain significance. Last evaluated: 2022-03-01. Review status: criteria provided, single submitter. Criteria: Invitae Variant Classification Sherloc (09022015). Collection method: clinical testing. Allele origin: germline.
Comment: This sequence change replaces isoleucine, which is neutral and non-polar, with valine, which is neutral and non-polar, at codon 402 of the SPART protein (p.Ile402Val). This variant is not present in population databases (gnomAD no frequency). This variant has not been reported in the literature in individuals affected with SPART-related conditions. Algorithms developed to predict the effect of missense changes on protein structure and function output the following: SIFT: "Tolerated"; PolyPhen-2: "Benign"; Align-GVGD: "Class C0". The valine amino acid residue is found in multiple mammalian species, which suggests that this missense change does not adversely affect protein function. In summary, the available evidence is currently insufficient to determine the role of this variant in disease. Therefore, it has been classified as a Variant of Uncertain Significance.

NM_015087.5(SPART):c.1204A>G (p.Ile402Val)

Gene: SPART (spartin; minus strand). Cytogenetic location: 13q13.3.
Variant type: single nucleotide variant.
Coding change: c.1204A>G on transcript NM_015087.5 (MANE Select); coding-DNA position 1204, A replaced by G.
Protein change: p.Ile402Val; replaces isoleucine 402 with valine.
Molecular consequence: missense variant.
Genome position (GRCh38, 1-based): chr13:36,326,659, T>C on the plus strand (A>G on the coding strand, the complement: SPART is on the minus strand). VCF-style: chr13-36326659-T-C. GRCh37 (hg19) VCF-style: chr13-36900796-T-C.
Other names: c.1204A>G, p.Ile402Val (NM_001142294.2, NM_001142295.2, NM_001142296.2); short protein forms I402V.
Identifiers: ClinVar variation 1946569 (VCV001946569.5), dbSNP rs2500676537, ClinGen allele CA387859437.